The following is an entry in ClinVar:

NM_005076.5(CNTN2):c.2861A>G (p.Asp954Gly)

Genes: CNTN2 (contactin 2; plus strand), LOC126805985 (MED14-independent group 3 enhancer GRCh37_chr1:205041546-205042745; plus strand). Cytogenetic location: 1q32.1.
Variant type: single nucleotide variant.
Coding change: c.2861A>G on transcript NM_005076.5 (MANE Select); coding-DNA position 2861, A replaced by G.
Protein change: p.Asp954Gly; replaces aspartic acid 954 with glycine.
Molecular consequence: missense variant. On other transcripts: non-coding transcript variant (1).
Genome position (GRCh38, 1-based): chr1:205,073,084, A>G. VCF-style: chr1-205073084-A-G. GRCh37 (hg19) VCF-style: chr1-205042212-A-G.
Other names: c.2861A>G, p.Asp954Gly (NM_001346083.2); short protein forms D954G.
Identifiers: ClinVar variation 1410586 (VCV001410586.8), dbSNP rs767209651, ClinGen allele CA344383003.
Genomic context (GRCh38, chr1:205,073,084, plus strand): 5'-GCCCTGGTGTCAGGAAACTCCACCTGGAAACCTCCTTCCCACAGATGCTGTACCAGAATG[A>G]CTTACACCTGACTCCCACGCTCCACCTCACCGGCAAGAACTGGATAGAAATCCCAGTGCC-3'
Protein context (NP_005067.1, residues 944-964): VTGYKMLYQN[Asp954Gly]LHLTPTLHLT

ClinVar aggregate classification (germline): Uncertain significance (1 of 4 stars; one submission).

Conditions:
Epilepsy, familial adult myoclonic, 5 (EPEO5). Also called: CORTICAL MYOCLONIC TREMOR WITH EPILEPSY, FAMILIAL, 5. Identifiers: Orphanet 86814, MedGen C3809374, MONDO:0014167, OMIM 615400.

gnomAD v4.1: 1 of 1,614,088 alleles (0.000062%); highest among the groups gnomAD compares: East Asian, 0.0022%; no homozygotes.

Submission:

Labcorp Genetics (formerly Invitae), Labcorp
Classification: Uncertain significance for Epilepsy, familial adult myoclonic, 5. Last evaluated: 2022-08-09. Review status: criteria provided, single submitter. Criteria: Invitae Variant Classification Sherloc (09022015). Collection method: clinical testing. Allele origin: germline.
Comment: In summary, the available evidence is currently insufficient to determine the role of this variant in disease. Therefore, it has been classified as a Variant of Uncertain Significance. Advanced modeling of protein sequence and biophysical properties (such as structural, functional, and spatial information, amino acid conservation, physicochemical variation, residue mobility, and thermodynamic stability) performed at Invitae indicates that this missense variant is not expected to disrupt CNTN2 protein function. ClinVar contains an entry for this variant (Variation ID: 1410586). This variant has not been reported in the literature in individuals affected with CNTN2-related conditions. This variant is not present in population databases (gnomAD no frequency). This sequence change replaces aspartic acid, which is acidic and polar, with glycine, which is neutral and non-polar, at codon 954 of the CNTN2 protein (p.Asp954Gly).